The following is an entry in ClinVar:

ClinVar aggregate classification (germline): Uncertain significance (1 of 4 stars; one submission).

Conditions:
Familial adenomatous polyposis 1 (FAP1). Also called: FAMILIAL ADENOMATOUS POLYPOSIS 1, ATTENUATED; POLYPOSIS, ADENOMATOUS INTESTINAL. Identifiers: MedGen C2713442, MONDO:0021056, OMIM 175100. Disease mechanism: loss of function.

Allele frequency attached by ClinVar (database versions not stated): gnomAD exomes 0.00001.
gnomAD v4.1: 7 of 1,370,662 alleles (0.00051%); highest among the groups gnomAD compares: Non-Finnish European, 0.00067%; no homozygotes.

Submission:

Labcorp Genetics (formerly Invitae), Labcorp
Classification: Uncertain significance for Familial adenomatous polyposis 1. Last evaluated: 2025-09-23. Review status: criteria provided, single submitter. Criteria: Invitae Variant Classification Sherloc (09022015). Collection method: clinical testing. Allele origin: germline.
Comment: This variant occurs in a non-coding region of the APC gene. It does not change the encoded amino acid sequence of the APC protein. This variant is not present in population databases (gnomAD no frequency). This variant has not been reported in the literature in individuals affected with APC-related conditions. ClinVar contains an entry for this variant (Variation ID: 469794). Experimental studies and prediction algorithms are not available or were not evaluated, and the functional significance of this variant is currently unknown. In summary, the available evidence is currently insufficient to determine the role of this variant in disease. Therefore, it has been classified as a Variant of Uncertain Significance.

NM_001127511.3(APC):c.74G>A (p.Trp25Ter)

Gene: APC (APC regulator of Wnt signaling pathway; plus strand). Cytogenetic location: 5q22.2.
Variant type: single nucleotide variant.
Coding change: c.74G>A on transcript NM_001127511.3; coding-DNA position 74, G replaced by A.
Protein change: p.Trp25Ter; replaces tryptophan 25 with a stop codon.
Molecular consequence: nonsense. On other transcripts: 5 prime UTR variant (8), non-coding transcript variant (1), intron variant (5).
Genome position (GRCh38, 1-based): chr5:112,707,791, G>A. VCF-style: chr5-112707791-G-A. GRCh37 (hg19) VCF-style: chr5-112043488-G-A.
Other names: c.-110G>A (NM_001354895.2, NM_001407447.1, NM_001407452.1 and 3 more transcripts); c.74G>A, p.Trp25Ter (NM_001354897.2, NM_001354902.2, NM_001407446.1); c.-1145G>A (NM_001407470.1, NM_001407472.1); c.-19+142G>A (NM_001407448.1, NM_001407450.1, NM_001407457.1 and 1 more transcripts); c.-43+142G>A (NM_001407453.1); short protein forms W25*.
Identifiers: ClinVar variation 469794 (VCV000469794.8), dbSNP rs1554060285, ClinGen allele CA360611862.